The following is an entry in ClinVar:

ClinVar aggregate classification (germline): Uncertain significance (1 of 4 stars; one submission).

Allele frequency attached by ClinVar (database versions not stated): gnomAD exomes below 0.00001; ExAC 0.00001; gnomAD 0.00001; TOPMed 0.00001; ESP Exome Variant Server 0.00008.
gnomAD v4.1: 7 of 1,613,996 alleles (0.00043%); highest among the groups gnomAD compares: African/African-American, 0.0013%; no homozygotes.

Submission:

Labcorp Genetics (formerly Invitae), Labcorp
Classification: Uncertain significance. Last evaluated: 2024-10-22. Review status: criteria provided, single submitter. Criteria: Invitae Variant Classification Sherloc (09022015). Collection method: clinical testing. Allele origin: germline.
Comment: This sequence change replaces glutamine, which is neutral and polar, with arginine, which is basic and polar, at codon 1503 of the CCDC88A protein (p.Gln1503Arg). This variant is present in population databases (rs370015921, gnomAD 0.007%). This variant has not been reported in the literature in individuals affected with CCDC88A-related conditions. ClinVar contains an entry for this variant (Variation ID: 1481891). An algorithm developed to predict the effect of missense changes on protein structure and function (PolyPhen-2) suggests that this variant is likely to be disruptive. In summary, the available evidence is currently insufficient to determine the role of this variant in disease. Therefore, it has been classified as a Variant of Uncertain Significance.

NM_001365480.1(CCDC88A):c.4511A>G (p.Gln1504Arg)

Gene: CCDC88A (coiled-coil and HOOK domain protein 88A; minus strand). Cytogenetic location: 2p16.1.
Variant type: single nucleotide variant.
Coding change: c.4511A>G on transcript NM_001365480.1 (MANE Select); coding-DNA position 4511, A replaced by G.
Protein change: p.Gln1504Arg; replaces glutamine 1504 with arginine.
Molecular consequence: missense variant.
Genome position (GRCh38, 1-based): chr2:55,302,033, T>C on the plus strand (A>G on the coding strand, the complement: CCDC88A is on the minus strand). VCF-style: chr2-55302033-T-C. GRCh37 (hg19) VCF-style: chr2-55529169-T-C.
Other names: c.4508A>G, p.Gln1503Arg (NM_001135597.2, NM_001254943.2); c.4427A>G, p.Gln1476Arg (NM_018084.5); short protein forms Q1504R, Q1503R, Q1476R.
Identifiers: ClinVar variation 1481891 (VCV001481891.8), dbSNP rs370015921, ClinGen allele CA1665562.
Genomic context (GRCh38, chr2:55,302,033, plus strand): 5'-CTCCTTTTACCCGTTGAAATATCATCAGGAACCTCCAAATTCTCAGTACTACCTGTCCAC[T>C]GTCCTGCTAGGACCATGGACTGCACCAGGTCATTCATGGCTGGGATGCAAATGAAAGCAA-3'
Protein context (NP_001352409.1, residues 1494-1514): DLVQSMVLAG[Gln1504Arg]WTGSTENLEV